The following is an entry in ClinVar:

ClinVar aggregate classification (germline): Uncertain significance (1 of 4 stars; one submission).

Conditions:
Inborn genetic diseases. Identifiers: MedGen C0950123, MeSH D030342.

Submission:

Ambry Genetics
Classification: Uncertain significance for Inborn genetic diseases. Last evaluated: 2022-04-04. Review status: criteria provided, single submitter. Criteria: Ambry Variant Classification Scheme 2023. Collection method: clinical testing. Allele origin: germline.
Comment: The p.I416T variant (also known as c.1247T>C), located in coding exon 13 of the ERCC2 gene, results from a T to C substitution at nucleotide position 1247. The isoleucine at codon 416 is replaced by threonine, an amino acid with similar properties. This amino acid position is conserved. In addition, this alteration is predicted to be deleterious by in silico analysis. Since supporting evidence is limited at this time, the clinical significance of this alteration remains unclear.

NM_000400.4(ERCC2):c.1247T>C (p.Ile416Thr)

Gene: ERCC2 (ERCC excision repair 2, TFIIH core complex helicase subunit; minus strand). Cytogenetic location: 19q13.32.
Variant type: single nucleotide variant.
Coding change: c.1247T>C on transcript NM_000400.4 (MANE Select); coding-DNA position 1247, T replaced by C.
Protein change: p.Ile416Thr; replaces isoleucine 416 with threonine.
Molecular consequence: missense variant.
Genome position (GRCh38, 1-based): chr19:45,357,690, A>G on the plus strand (T>C on the coding strand, the complement: ERCC2 is on the minus strand). VCF-style: chr19-45357690-A-G. GRCh37 (hg19) VCF-style: chr19-45860948-A-G.
Other names: short protein forms I416T.
Identifiers: ClinVar variation 1759858 (VCV001759858.2), dbSNP rs2514014118, ClinGen allele CA406368251.